The following is an entry in ClinVar:

ClinVar aggregate classification (germline): Pathogenic (1 of 4 stars; one submission).

Submission:

CeGaT Center for Human Genetics Tuebingen
Classification: Pathogenic. Last evaluated: 2023-10-01. Review status: criteria provided, single submitter. Criteria: CeGaT Center For Human Genetics Tuebingen Variant Classification Criteria Version 2. Collection method: clinical testing. Allele origin: germline. Affected: yes. Observed: 2 variant alleles.
Comment: IVD: PM3:Strong, PVS1:Strong, PM2

NM_002225.5(IVD):c.1083del (p.Leu362fs)

Gene: IVD (isovaleryl-CoA dehydrogenase; plus strand). Cytogenetic location: 15q15.1.
Variant type: Deletion.
Coding change: c.1083del on transcript NM_002225.5 (MANE Select); coding-DNA position 1083, one base deleted (T; older notation c.1083delT).
Protein change: p.Leu362fs; shifts the reading frame from leucine 362.
Molecular consequence: frameshift variant. On other transcripts: non-coding transcript variant (1).
Genome position (GRCh38, 1-based): chr15:40,416,307, T deleted; the last of 2 consecutive T bases (chr15:40,416,306-40,416,307); deleting either gives the same sequence. VCF-style (leftmost placement, unchanged base first): chr15-40416305-AT-A. GRCh37 (hg19) VCF-style: chr15-40708504-AT-A.
Other names: c.993del, p.Leu332fs (NM_001159508.3); c.1035del, p.Leu346fs (NM_001354597.3); c.1083del, p.Leu362fs (NM_001354598.3, NM_001354601.3); c.1170del, p.Leu391fs (NM_001354599.3, NM_001354600.3); short protein forms L332fs, L346fs, L362fs, L391fs.
Identifiers: ClinVar variation 2498605 (VCV002498605.28), dbSNP rs2542760096, ClinGen allele CA2580089354.